The following continues an entry in ClinVar:

NM_000203.5(IDUA):c.46_57del (p.Ser16_Ala19del)

ClinVar aggregate classification (germline): Pathogenic. Pathogenic (1).

Submissions 9 to 14 of 14:

Women's Health and Genetics/Laboratory Corporation of America, LabCorp
Classification: Pathogenic for Mucopolysaccharidosis type 1. Last evaluated: 2025-03-03. Review status: criteria provided, single submitter. Criteria: LabCorp Variant Classification Summary - May 2015. Collection method: clinical testing. Allele origin: germline. Not counted in ClinVar's aggregate classification.
Comment: Variant summary: IDUA c.46_57del12 (p.Ser16_Ala19del) results in an in-frame deletion that is predicted to remove four amino acids from the encoded protein. The frequency data for this variant in gnomAD is considered unreliable, as metrics indicate poor data quality at this position. Functional studies in cultured skin fibroblasts from patients compound heterozygous for this variant have indicated that this variant results in IDUA activity that is lower than heterozygous carriers. It has been suggested that although the precursor Ser16_Ala19del IDUA is enzymatically active, this may prevent correct post-translational processing and transport to the lysosome (Lee-Chen_IDUA_J Formos Med Assoc_2002 ). c.46_57del12 has been reported in the literature in multiple individuals affected with Mucopolysaccharidosis Type 1. These data indicate that the variant is very likely to be associated with disease. The following publications have been ascertained in the context of this evaluation (PMID: 11735025, 12189649, 21480867, 15300847). ClinVar contains an entry for this variant (Variation ID: 92643). Based on the evidence outlined above, the variant was classified as pathogenic.

Fulgent Genetics
Classification: Pathogenic for Hurler syndrome; Mucopolysaccharidosis, MPS-I-H/S; Mucopolysaccharidosis, MPS-I-S. Last evaluated: 2024-05-02. Review status: criteria provided, single submitter. Criteria: ACMG Guidelines, 2015. Collection method: clinical testing. Allele origin: germline. Not counted in ClinVar's aggregate classification.

Illumina Laboratory Services, Illumina
Classification: Pathogenic for Mucopolysaccharidosis type 1. Last evaluated: 2023-04-11. Review status: criteria provided, single submitter. Criteria: ICSLVariantClassificationCriteria RUGD 01 April 2020. Collection method: clinical testing. Allele origin: unknown. Not counted in ClinVar's aggregate classification.
Comment: The IDUA c.46_57del (p.Ser16_Ala19del) variant, also referred to as 134del12, is an in-frame deletion of four amino acids at amino acid position 16. The c.46_57del variant has been reported in both a homozygous and compound heterozygous state in multiple individuals with phenotypes consistent with mucopolysaccharidosis type I (PMID: 7951228; PMID: 11735025; PMID: 12189649; PMID: 15300847; PMID: 21480867). This variant is reported in the Genome Aggregation Database in two alleles at a frequency of 0.000130 in the European (non-Finnish) population (version 2.1.1). Functional studies conducted in patient cells suggest that this variant results in decreased enzyme activity and may prevent posttranslational processing and transport into the lysosome (PMID: 12189649; PMID: 23786846). Based on the available evidence, the c.46_57del (p.Ser16_Ala19del) variant is classified as pathogenic for mucopolysaccharidosis type I.

Eurofins Ntd Llc (ga)
Classification: Pathogenic. Last evaluated: 2016-03-22. Review status: criteria provided, single submitter. Criteria: EGL Classification Definitions. Collection method: clinical testing. Allele origin: germline. Observed: 12 variant alleles, 11 heterozygotes, 1 homozygote. Not counted in ClinVar's aggregate classification.

Neuberg Centre For Genomic Medicine, NCGM
Classification: Pathogenic for Mucopolysaccharidosis, MPS-I-S. Review status: criteria provided, single submitter. Criteria: ACMG Guidelines, 2015. Collection method: clinical testing. Allele origin: germline. Inheritance: Autosomal recessive inheritance. Affected: yes. Not counted in ClinVar's aggregate classification.
Comment: The inframe deletion c.46_57del variant has been reported previously in patient affected with Mucopolysaccharidosis Is (Izumi et. al., 2018) and has also been reported in multiple unrelated individuals affected with MPS I (Bertola et. al., 2011; Yogalingam et. al., 2004; Bunge et. al., 1994). Experimental studies have shown that this variant change results in a IDUA protein that is not cleaved post-translationally, which may prevent its proper localization to the lysosome and interfere with its normal function despite its increased enzymatic activity (Lee-Chen et. al., 2002). The p.Ser16_Ala19del variant is novel (not in any individuals) in gnomAD Exomes and 1000 Genomes and has an allele frequency of 0.006415% in gnomAD database. This variant has been reported to the ClinVar database as Pathogenic. This p.Ser16_Ala19del causes deletion of amino acid Serine at position 16 to Alanine at position 19. This variant is not in the repeat region. For these reasons, this variant has been classified as Pathogenic.

Pathology and Clinical Laboratory Medicine, King Fahad Medical City
Classification: Pathogenic for Hurler syndrome. Review status: criteria provided, single submitter. Criteria: ACMG Guidelines, 2015. Collection method: clinical testing. Allele origin: germline. Affected: yes. Observed: 2 variant alleles. Not counted in ClinVar's aggregate classification.

Literature cited by the submitters: PubMed 7951228 (cited by 3 submitters); PubMed 12189649 (cited by 3 submitters); PubMed 15300847 (cited by 3 submitters); PubMed 21394825 (cited by Labcorp Genetics (formerly Invitae), Labcorp and Natera, Inc.); PubMed 11735025 (cited by Women's Health and Genetics/Laboratory Corporation of America, LabCorp and Illumina Laboratory Services, Illumina); PubMed 21480867 (cited by Women's Health and Genetics/Laboratory Corporation of America, LabCorp and Illumina Laboratory Services, Illumina); PubMed 23786846 (cited by Illumina Laboratory Services, Illumina).